The following is an entry in ClinVar:

ClinVar aggregate classification (germline): Uncertain significance (1 of 4 stars; one submission).

Conditions:
Aicardi-Goutieres syndrome 6 (AGS6). Identifiers: Orphanet 51, MedGen C3539013, MONDO:0014007, OMIM 615010.
Symmetrical dyschromatosis of extremities (DSH). Also called: Dyschromatosis symmetrica hereditaria; RETICULATE ACROPIGMENTATION OF DOHI; SYMMETRIC DYSCHROMATOSIS OF THE EXTREMITIES; DYSCHROMATOSIS SYMMETRICA HEREDITARIA 1. Identifiers: Orphanet 41, MedGen C0406775, MONDO:0007483, OMIM 127400.

Submission:

Labcorp Genetics (formerly Invitae), Labcorp
Classification: Uncertain significance for Aicardi-Goutieres syndrome 6; Symmetrical dyschromatosis of extremities. Last evaluated: 2025-03-03. Review status: criteria provided, single submitter. Criteria: Invitae Variant Classification Sherloc (09022015). Collection method: clinical testing. Allele origin: germline.
Comment: This sequence change replaces serine, which is neutral and polar, with proline, which is neutral and non-polar, at codon 269 of the ADAR protein (p.Ser269Pro). This variant is not present in population databases (gnomAD no frequency). This variant has not been reported in the literature in individuals affected with ADAR-related conditions. An algorithm developed to predict the effect of missense changes on protein structure and function (PolyPhen-2) suggests that this variant is likely to be tolerated. In summary, the available evidence is currently insufficient to determine the role of this variant in disease. Therefore, it has been classified as a Variant of Uncertain Significance.

NM_001111.5(ADAR):c.805T>C (p.Ser269Pro)

Gene: ADAR (adenosine deaminase RNA specific; minus strand). Cytogenetic location: 1q21.3.
Variant type: single nucleotide variant.
Coding change: c.805T>C on transcript NM_001111.5 (MANE Select); coding-DNA position 805, T replaced by C.
Protein change: p.Ser269Pro; replaces serine 269 with proline.
Molecular consequence: missense variant. On other transcripts: 5 prime UTR variant (6).
Genome position (GRCh38, 1-based): chr1:154,601,837, A>G on the plus strand (T>C on the coding strand, the complement: ADAR is on the minus strand). VCF-style: chr1-154601837-A-G. GRCh37 (hg19) VCF-style: chr1-154574313-A-G.
Other names: c.-81T>C (NM_001193495.2, NM_001365046.1, NM_001365047.1 and 3 more transcripts); c.832T>C, p.Ser278Pro (NM_001365045.1); c.805T>C, p.Ser269Pro (NM_015840.4, NM_015841.4); short protein forms S269P, S278P.
Identifiers: ClinVar variation 3755126 (VCV003755126.2).